The following is an entry in ClinVar:

ClinVar aggregate classification (germline): Pathogenic. Review status: criteria provided, multiple submitters, no conflicts (2 of 4 stars). 2 submissions from 2 submitters: Pathogenic (2). Last evaluated 2024-10-09.

Conditions:
Familial cancer of breast. Also called: hereditary breast carcinoma; BREAST CANCER, FAMILIAL; Hereditary breast cancer. Identifiers: Orphanet 227535, MedGen C0346153, MONDO:0016419, OMIM 114480. Disease mechanism: loss of function.
Hereditary cancer-predisposing syndrome. Also called: Tumor predisposition; Hereditary Cancer Syndrome; Hereditary neoplastic syndrome; Neoplastic Syndromes, Hereditary. Identifiers: Orphanet 140162, MedGen C0027672, MeSH D009386, MONDO:0015356.

Submissions (2):

Ambry Genetics
Classification: Pathogenic for Hereditary cancer-predisposing syndrome. Last evaluated: 2024-10-09. Review status: criteria provided, single submitter. Criteria: Ambry Variant Classification Scheme 2023. Collection method: clinical testing. Allele origin: germline.
Comment: The c.6638delA pathogenic mutation, located in coding exon 45 of the ATM gene, results from a deletion of one nucleotide at nucleotide position 6638, causing a translational frameshift with a predicted alternate stop codon (p.K2213Rfs*22). This variant is considered to be rare based on population cohorts in the Genome Aggregation Database (gnomAD). This alteration is expected to result in loss of function by premature protein truncation or nonsense-mediated mRNA decay. As such, this alteration is interpreted as a disease-causing mutation.

Myriad Genetics, Inc.
Classification: Pathogenic for Familial cancer of breast. Last evaluated: 2024-01-30. Review status: criteria provided, single submitter. Criteria: Myriad Autosomal Dominant, Autosomal Recessive and X-Linked Classification Criteria (2023). Collection method: clinical testing. Allele origin: unknown.
Comment: This variant is considered pathogenic. This variant creates a frameshift predicted to result in premature protein truncation.

NM_000051.4(ATM):c.6638del (p.Lys2213fs)

Genes: ATM (ATM serine/threonine kinase; plus strand), C11orf65 (chromosome 11 open reading frame 65; minus strand). Cytogenetic location: 11q22.3.
Variant type: Deletion.
Coding change: c.6638del on transcript NM_000051.4 (MANE Select); coding-DNA position 6638, one base deleted (A; older notation c.6638delA).
Protein change: p.Lys2213fs; shifts the reading frame from lysine 2213.
Molecular consequence: frameshift variant. On other transcripts: intron variant (2).
Genome position (GRCh38, 1-based): chr11:108,325,375, A deleted; the last of 2 consecutive A bases (chr11:108,325,374-108,325,375); deleting either gives the same sequence. VCF-style (leftmost placement, unchanged base first): chr11-108325373-CA-C. GRCh37 (hg19) VCF-style: chr11-108196100-CA-C.
Other names: c.6638del, p.Lys2213fs (NM_001351834.2); c.641-16303del (NM_001330368.2); c.*38+9846del (NM_001351110.2); short protein forms K2213fs.
Identifiers: ClinVar variation 3148497 (VCV003148497.2), dbSNP rs2547201218, ClinGen allele CA476745277.